The following is an entry in ClinVar:

NM_001128148.3(TFRC):c.757T>C (p.Ser253Pro)

Gene: TFRC (transferrin receptor; minus strand). Cytogenetic location: 3q29.
Variant type: single nucleotide variant.
Coding change: c.757T>C on transcript NM_001128148.3 (MANE Select); coding-DNA position 757, T replaced by C.
Protein change: p.Ser253Pro; replaces serine 253 with proline.
Molecular consequence: missense variant. On other transcripts: 5 prime UTR variant (1).
Genome position (GRCh38, 1-based): chr3:196,069,499, A>G on the plus strand (T>C on the coding strand, the complement: TFRC is on the minus strand). VCF-style: chr3-196069499-A-G. GRCh37 (hg19) VCF-style: chr3-195796370-A-G.
Other names: c.514T>C, p.Ser172Pro (NM_001313965.2); c.-90T>C (NM_001313966.2); c.757T>C, p.Ser253Pro (NM_003234.4); short protein forms S253P, S172P.
Identifiers: ClinVar variation 3708152 (VCV003708152.2).
Genomic context (GRCh38, chr3:196,069,499, plus strand): 5'-AATAACTCATACTCACCTTTTCTGCAAAGGTGATTTTCCCTGCTCTGACAATCACTATAG[A>G]TCCATTCACAGGAGTGTATAAATCCTCAAAATCTTTTTTAGTACCAAAATTAGCATGGAC-3'
Protein context (NP_001121620.1, residues 243-263): FEDLYTPVNG[Ser253Pro]IVIVRAGKIT

ClinVar aggregate classification (germline): Uncertain significance (1 of 4 stars; one submission).

gnomAD v4.1: 4 of 1,613,518 alleles (0.00025%); highest among the groups gnomAD compares: Non-Finnish European, 0.00034%; no homozygotes.

Submission:

Labcorp Genetics (formerly Invitae), Labcorp
Classification: Uncertain significance. Last evaluated: 2025-01-13. Review status: criteria provided, single submitter. Criteria: Invitae Variant Classification Sherloc (09022015). Collection method: clinical testing. Allele origin: germline.
Comment: This sequence change replaces serine, which is neutral and polar, with proline, which is neutral and non-polar, at codon 253 of the TFRC protein (p.Ser253Pro). This variant is present in population databases (rs768640477, gnomAD 0.0009%). This variant has not been reported in the literature in individuals affected with TFRC-related conditions. Invitae Evidence Modeling of protein sequence and biophysical properties (such as structural, functional, and spatial information, amino acid conservation, physicochemical variation, residue mobility, and thermodynamic stability) indicates that this missense variant is not expected to disrupt TFRC protein function with a negative predictive value of 80%. In summary, the available evidence is currently insufficient to determine the role of this variant in disease. Therefore, it has been classified as a Variant of Uncertain Significance.